The following is an entry in ClinVar:

ClinVar aggregate classification (germline): Conflicting classifications of pathogenicity. Review status: criteria provided, conflicting classifications (1 of 4 stars). 2 submissions from 2 submitters: Uncertain significance (1); Likely benign (1). Last evaluated 2025-10-22.

Conditions:
C3-related disorder. Also called: C3-related condition.

Allele frequency attached by ClinVar (database versions not stated): ExAC 0.00001; gnomAD exomes 0.00001.
gnomAD v4.1: 7 of 1,614,114 alleles (0.00043%); highest among the groups gnomAD compares: South Asian, 0.0033%; no homozygotes.

Submissions (2):

PreventionGenetics, part of Exact Sciences
Classification: Uncertain significance for C3-related condition. Last evaluated: 2025-10-22. Review status: criteria provided, single submitter. Criteria: ACMG Guidelines, 2015. Collection method: clinical testing. Allele origin: germline.
Comment: The C3 c.1179C>T variant is not predicted to result in an amino acid change (p.=). This variant is predicted to impact splicing based on available splicing prediction programs (SpliceAI, Jaganathan et al. 2019. PubMed ID: 30661751). To our knowledge, this variant has not been reported in the literature. This variant is reported in 0.0033% of alleles in individuals of South Asian descent in gnomAD. At this time, the clinical significance of this variant is uncertain due to the absence of conclusive functional and genetic evidence.

Labcorp Genetics (formerly Invitae), Labcorp
Classification: Likely benign. Last evaluated: 2023-12-11. Review status: criteria provided, single submitter. Criteria: Invitae Variant Classification Sherloc (09022015). Collection method: clinical testing. Allele origin: germline.

NM_000064.4(C3):c.1179C>T (p.Gly393=)

Gene: C3 (complement C3; minus strand). Cytogenetic location: 19p13.3.
Variant type: single nucleotide variant.
Coding change: c.1179C>T on transcript NM_000064.4 (MANE Select); coding-DNA position 1179, C replaced by T.
Protein change: p.Gly393=; no amino-acid change (glycine 393 retained).
Molecular consequence: synonymous variant.
Genome position (GRCh38, 1-based): chr19:6,712,347, G>A on the plus strand (C>T on the coding strand, the complement: C3 is on the minus strand). VCF-style: chr19-6712347-G-A. GRCh37 (hg19) VCF-style: chr19-6712358-G-A.
Other names: c.1179C>T (NM_000064.3).
Identifiers: ClinVar variation 1484427 (VCV001484427.9), dbSNP rs760790105, ClinGen allele CA9129535.